The following is an entry in ClinVar:

NM_000075.4(CDK4):c.667T>C (p.Leu223=)

Genes: TSPAN31 (tetraspanin 31; plus strand), CDK4 (cyclin dependent kinase 4; minus strand). Cytogenetic location: 12q14.1.
Variant type: single nucleotide variant.
Coding change: c.667T>C on transcript NM_000075.4 (MANE Select); coding-DNA position 667, T replaced by C.
Protein change: p.Leu223=; no amino-acid change (leucine 223 retained).
Molecular consequence: synonymous variant. On other transcripts: 3 prime UTR variant (3).
Genome position (GRCh38, 1-based): chr12:57,749,470, A>G on the plus strand (T>C on the coding strand, the complement: CDK4 is on the minus strand). VCF-style: chr12-57749470-A-G. GRCh37 (hg19) VCF-style: chr12-58143253-A-G.
Other names: c.*2180A>G (NM_001330168.2, NM_001330169.2, NM_005981.5); c.667T>C (NM_000075.3).
Identifiers: ClinVar variation 1122337 (VCV001122337.11), dbSNP rs2140383860, ClinGen allele CA480300512.

ClinVar aggregate classification (germline): Benign/Likely benign. Review status: criteria provided, multiple submitters, no conflicts (2 of 4 stars). 3 submissions from 3 submitters: Benign (1); Likely benign (2). Last evaluated 2025-03-03.

Conditions:
Hereditary cancer-predisposing syndrome. Also called: Hereditary neoplastic syndrome; Neoplastic Syndromes, Hereditary; Tumor predisposition; Hereditary Cancer Syndrome. Identifiers: Orphanet 140162, MedGen C0027672, MeSH D009386, MONDO:0015356.
Melanoma, cutaneous malignant, susceptibility to, 3. Also called: Cutaneous malignant melanoma 3. Identifiers: Orphanet 618, MedGen C1836892, MONDO:0012183, OMIM 609048.
Familial melanoma. Also called: Hereditary melanoma; Hereditary cutaneous melanoma. Identifiers: Orphanet 618, MedGen C1512419, MONDO:0018961.

Submissions (3):

Ambry Genetics
Classification: Likely benign for Hereditary cancer-predisposing syndrome. Last evaluated: 2025-03-03. Review status: criteria provided, single submitter. Criteria: Ambry Variant Classification Scheme 2023. Collection method: clinical testing. Allele origin: germline.

Labcorp Genetics (formerly Invitae), Labcorp
Classification: Likely benign for Familial melanoma. Last evaluated: 2024-12-02. Review status: criteria provided, single submitter. Criteria: Invitae Variant Classification Sherloc (09022015). Collection method: clinical testing. Allele origin: germline.

Myriad Genetics, Inc.
Classification: Benign for Melanoma, cutaneous malignant, susceptibility to, 3. Last evaluated: 2024-09-26. Review status: criteria provided, single submitter. Criteria: Myriad Autosomal Dominant, Autosomal Recessive and X-Linked Classification Criteria (2023). Collection method: clinical testing. Allele origin: unknown.
Comment: This variant is considered benign. This variant is a silent/synonymous amino acid change and it is not expected to impact splicing.